The following is an entry in ClinVar:

ClinVar aggregate classification (germline): Benign/Likely benign. Review status: criteria provided, multiple submitters, no conflicts (2 of 4 stars). 4 submissions from 4 submitters: Benign (1); Likely benign (2). 1 of the submissions does not count toward it. Last evaluated 2026-01-29.

Conditions:
Anemia, congenital dyserythropoietic, type 1a (CDAN1A). Also called: DYSERYTHROPOIETIC ANEMIA, CONGENITAL, TYPE Ia; CDAN1-Related Congenital Dyserythropoietic Anemia. Identifiers: MedGen C5574667, MONDO:0009135, OMIM 224120.
CDAN1-related disorder. Also called: CDAN1-related condition.
Congenital dyserythropoietic anemia, type I. Also called: Dyserythropoietic anemia, congenital type 1. Identifiers: Orphanet 98869, MedGen C0271933, MONDO:0020337. Disease mechanism: loss of function.

Allele frequency attached by ClinVar (database versions not stated): gnomAD exomes 0.00017 and 0.00066; gnomAD 0.00024 and 0.00030; TOPMed 0.00035; ExAC 0.00070; 1000 Genomes Project 0.00200; 1000 Genomes Project 30x 0.00234.
gnomAD v4.1: 294 of 1,613,300 alleles (0.018%); highest among the groups gnomAD compares: East Asian, 0.49%; 1 homozygote.

Submissions (4):

Labcorp Genetics (formerly Invitae), Labcorp
Classification: Benign. Last evaluated: 2026-01-29. Review status: criteria provided, single submitter. Criteria: Invitae Variant Classification Sherloc (09022015). Collection method: clinical testing. Allele origin: germline.

PreventionGenetics, part of Exact Sciences
Classification: Likely benign for CDAN1-related condition. Last evaluated: 2025-06-07. Review status: criteria provided, single submitter. Criteria: ACMG Guidelines, 2015. Collection method: clinical testing. Allele origin: germline.
Comment: This variant is classified as likely benign based on ACMG/AMP sequence variant interpretation guidelines (Richards et al. 2015 PMID: 25741868, with internal and published modifications).

Illumina Laboratory Services, Illumina
Classification: Likely benign for Anemia, congenital dyserythropoietic, type 1a. Last evaluated: 2018-01-13. Review status: criteria provided, single submitter. Criteria: ICSL Variant Classification Criteria 13 December 2019. Collection method: clinical testing. Allele origin: germline.
Comment: This variant was observed in the ICSL laboratory as part of a predisposition screen in an ostensibly healthy population. It had not been previously curated by ICSL or reported in the Human Gene Mutation Database (HGMD: prior to June 1st, 2018), and was therefore a candidate for classification through an automated scoring system. Utilizing variant allele frequency, disease prevalence and penetrance estimates, and inheritance mode, an automated score was calculated to assess if this variant is too frequent to cause the disease. Based on the score and internal cut-off values, a variant classified as likely benign is not then subjected to further curation. The score for this variant resulted in a classification of likely benign for this disease.

Department of Emergency, The First Affiliated Hospital of Army Medical University
Classification: Pathogenic for Anemia, congenital dyserythropoietic, type 1a. Review status: no assertion criteria provided. Collection method: clinical testing. Allele origin: paternal. Affected: yes. Observed: 1 compound heterozygote. Not counted in ClinVar's aggregate classification.

NM_138477.4(CDAN1):c.2059C>T (p.Arg687Cys)

Gene: CDAN1 (codanin 1; minus strand). Cytogenetic location: 15q15.2.
Variant type: single nucleotide variant.
Coding change: c.2059C>T on transcript NM_138477.4 (MANE Select); coding-DNA position 2059, C replaced by T.
Protein change: p.Arg687Cys; replaces arginine 687 with cysteine.
Molecular consequence: missense variant.
Genome position (GRCh38, 1-based): chr15:42,730,713, G>A on the plus strand (C>T on the coding strand, the complement: CDAN1 is on the minus strand). VCF-style: chr15-42730713-G-A. GRCh37 (hg19) VCF-style: chr15-43022911-G-A.
Other names: c.2059C>T, p.Arg687Cys (LRG_1164t1); short protein forms R687C.
Identifiers: ClinVar variation 315938 (VCV000315938.14), dbSNP rs181448047, ClinGen allele CA7515833.